The following is an entry in ClinVar:

NM_003873.7(NRP1):c.2597C>G (p.Ala866Gly)

Gene: NRP1 (neuropilin 1; minus strand). Cytogenetic location: 10p11.22.
Variant type: single nucleotide variant.
Coding change: c.2597C>G on transcript NM_003873.7 (MANE Select); coding-DNA position 2597, C replaced by G.
Protein change: p.Ala866Gly; replaces alanine 866 with glycine.
Molecular consequence: missense variant. On other transcripts: non-coding transcript variant (1).
Genome position (GRCh38, 1-based): chr10:33,180,251, G>C on the plus strand (C>G on the coding strand, the complement: NRP1 is on the minus strand). VCF-style: chr10-33180251-G-C. GRCh37 (hg19) VCF-style: chr10-33469179-G-C.
Other names: c.2579C>G, p.Ala860Gly (NM_001244972.2); c.2576C>G, p.Ala859Gly (NM_001244973.2); c.2546C>G, p.Ala849Gly (NM_001330068.2); short protein forms A859G, A860G, A866G, A849G.
Identifiers: ClinVar variation 4997534 (VCV004997534.1).
Genomic context (GRCh38, chr10:33,180,251, plus strand): 5'-TTATGCCAACAGGCACAGTACAGCACGACCCCACAGACAGCCCCCAGGAGGACCCCCAGG[G>C]CACTCATGGCTATGATGGTGATGAGGATGGGGTCTAAGGTCTTCAACACATTGCCTGGCT-3'
Protein context (NP_003864.5, residues 856-876): PILITIIAMS[Ala866Gly]LGVLLGAVCG

ClinVar aggregate classification (germline): Uncertain significance (1 of 4 stars; one submission).

Conditions:
NRP1-related disorder. Also called: NRP1-related condition.

Submission:

PreventionGenetics, part of Exact Sciences
Classification: Uncertain significance for NRP1-related condition. Last evaluated: 2025-02-21. Review status: criteria provided, single submitter. Criteria: ACMG Guidelines, 2015. Collection method: clinical testing. Allele origin: germline.
Comment: The NRP1 c.2597C>G variant is predicted to result in the amino acid substitution p.Ala866Gly. To our knowledge, this variant has not been reported in the literature or in a large population database (gnomAD), indicating this variant is rare. At this time, the clinical significance of this variant is uncertain due to the absence of conclusive functional and genetic evidence.